The following is an entry in ClinVar:

NM_198282.4(STING1):c.878G>A (p.Arg293Gln)

Gene: STING1 (stimulator of interferon response cGAMP interactor 1; minus strand). Cytogenetic location: 5q31.2.
Variant type: single nucleotide variant.
Coding change: c.878G>A on transcript NM_198282.4 (MANE Select); coding-DNA position 878, G replaced by A.
Protein change: p.Arg293Gln; replaces arginine 293 with glutamine.
Molecular consequence: missense variant. On other transcripts: intron variant (1).
Genome position (GRCh38, 1-based): chr5:139,477,397, C>T on the plus strand (G>A on the coding strand, the complement: STING1 is on the minus strand). VCF-style: chr5-139477397-C-T. GRCh37 (hg19) VCF-style: chr5-138856982-C-T.
Other names: p.Arg293Gln; c.521G>A, p.Arg174Gln (NM_001367258.1); c.759+873G>A (NM_001301738.2); short protein forms R174Q, R293Q.
Identifiers: ClinVar variation 1166567 (VCV001166567.20), dbSNP rs7380824, ClinGen allele CA3435296.

ClinVar aggregate classification (germline): Benign/Likely benign. Review status: criteria provided, multiple submitters, no conflicts (2 of 4 stars). 7 submissions from 7 submitters: Benign (6); Likely benign (1). Last evaluated 2026-02-04.

Conditions:
Autoinflammatory syndrome. Identifiers: Orphanet 93665, MedGen C3890737, MONDO:0019751.
STING-associated vasculopathy with onset in infancy. Also called: Sting-associated vasculopathy, infantile-onset. Identifiers: Orphanet 425120, MedGen C4014722, MONDO:0014405, OMIM 615934.

Allele frequency attached by ClinVar (database versions not stated): gnomAD exomes 0.15774 and 0.21231; ESP Exome Variant Server 0.18345; gnomAD 0.20123 and 0.20498; ExAC 0.20495; TOPMed 0.21806; 1000 Genomes Project 30x 0.26749; 1000 Genomes Project 0.27496.
gnomAD v4.1: 262,789 of 1,613,894 alleles (16%); highest among the groups gnomAD compares: East Asian, 43%; 25,689 homozygotes.

Submissions (7):

Labcorp Genetics (formerly Invitae), Labcorp
Classification: Benign for STING-associated vasculopathy with onset in infancy. Last evaluated: 2026-02-04. Review status: criteria provided, single submitter. Criteria: Invitae Variant Classification Sherloc (09022015). Collection method: clinical testing. Allele origin: germline.

Women's Health and Genetics/Laboratory Corporation of America, LabCorp
Classification: Likely benign. Last evaluated: 2026-01-21. Review status: criteria provided, single submitter. Criteria: LabCorp Variant Classification Summary - May 2015. Collection method: clinical testing. Allele origin: germline.

Blueprint Genetics
Classification: Benign. Last evaluated: 2024-11-26. Review status: criteria provided, single submitter. Criteria: ACMG Guidelines, 2015. Collection method: clinical testing. Allele origin: germline.

Unidad de Genómica Garrahan, Hospital de Pediatría Garrahan
Classification: Benign. Last evaluated: 2023-11-12. Review status: criteria provided, single submitter. Criteria: ACMG Guidelines, 2015. Collection method: clinical testing. Allele origin: germline. Affected: no. Observed: 44 variant alleles.
Comment: This variant is classified as Benign based on local population frequency. This variant was detected in 46% of patients studied by a panel of primary immunodeficiencies. Number of patients: 44. Only high quality variants are reported.

Mayo Clinic Laboratories, Mayo Clinic
Classification: Benign. Last evaluated: 2023-08-15. Review status: criteria provided, single submitter. Criteria: ACMG Guidelines, 2015. Collection method: clinical testing. Allele origin: germline. Observed: 155 variant alleles.
Comment: BA1, BS2, BP4

Genome Diagnostics Laboratory, The Hospital for Sick Children
Classification: Benign for Autoinflammatory syndrome. Last evaluated: 2022-01-14. Review status: criteria provided, single submitter. Criteria: ACMG Guidelines, 2015. Collection method: clinical testing. Allele origin: germline. Affected: yes.

GeneDx
Classification: Benign. Last evaluated: 2018-08-21. Review status: criteria provided, single submitter. Criteria: GeneDx Variant Classification Process June 2021. Collection method: clinical testing. Allele origin: germline. Affected: yes.
Comment: This variant is associated with the following publications: (PMID: 29632140, 30368497, 24204993, 27927967, 21248775)

Literature cited by the submitters: PubMed 21248775 (cited by Mayo Clinic Laboratories, Mayo Clinic); PubMed 24204993 (cited by Mayo Clinic Laboratories, Mayo Clinic); PubMed 27927967 (cited by Mayo Clinic Laboratories, Mayo Clinic).